The following is an entry in ClinVar:

ClinVar aggregate classification (germline): Pathogenic. Review status: criteria provided, multiple submitters, no conflicts (2 of 4 stars). 2 submissions from 2 submitters: Pathogenic (2). Last evaluated 2021-08-19.

Submissions (2):

Genetic Services Laboratory, University of Chicago
Classification: Pathogenic. Last evaluated: 2021-08-19. Review status: criteria provided, single submitter. Criteria: ACMG Guidelines, 2015. Collection method: clinical testing. Allele origin: germline. Affected: yes.
Comment: DNA sequence analysis of the NSD1 gene demonstrated a sequence change, c.2808C>A, which results in the creation of a premature stop codon at amino acid position 936, p.Tyr936*. This sequence change is predicted to result in an abnormal transcript, which may be degraded, or may lead to the production of a truncated NSD1 protein with potentially abnormal function. This sequence change is absent in the gnomAD population database. This sequence change has been previously described in an individual with Sotos syndrome (PMID: 15942875). Loss-of-function variants in NSD1 are known to be pathogenic (PMIDs: 12464997, 14571271, 15942875, 16247291). Collectively this evidence suggests that, the c.2808C>A change is pathogenic.

Labcorp Genetics (formerly Invitae), Labcorp
Classification: Pathogenic. Last evaluated: 2021-07-27. Review status: criteria provided, single submitter. Criteria: Invitae Variant Classification Sherloc (09022015). Collection method: clinical testing. Allele origin: germline.
Comment: For these reasons, this variant has been classified as Pathogenic. This premature translational stop signal has been observed in individual(s) with clinical features of Sotos syndrome (PMID: 15942875). This variant is not present in population databases (ExAC no frequency). This sequence change creates a premature translational stop signal (p.Tyr936*) in the NSD1 gene. It is expected to result in an absent or disrupted protein product. Loss-of-function variants in NSD1 are known to be pathogenic (PMID: 12464997, 14571271, 15942875, 16247291).

Literature cited by the submitters: PubMed 15942875 (cited by Labcorp Genetics (formerly Invitae), Labcorp); PubMed 12464997 (cited by Labcorp Genetics (formerly Invitae), Labcorp); PubMed 14571271 (cited by Labcorp Genetics (formerly Invitae), Labcorp); PubMed 16247291 (cited by Labcorp Genetics (formerly Invitae), Labcorp).

NM_022455.5(NSD1):c.2808C>A (p.Tyr936Ter)

Gene: NSD1 (nuclear receptor binding SET domain protein 1; plus strand). Cytogenetic location: 5q35.3.
Variant type: single nucleotide variant.
Coding change: c.2808C>A on transcript NM_022455.5 (MANE Select); coding-DNA position 2808, C replaced by A.
Protein change: p.Tyr936Ter; replaces tyrosine 936 with a stop codon.
Molecular consequence: nonsense.
Genome position (GRCh38, 1-based): chr5:177,211,207, C>A. VCF-style: chr5-177211207-C-A. GRCh37 (hg19) VCF-style: chr5-176638208-C-A.
Other names: c.1935C>A, p.Tyr645Ter (NM_001365684.2, NM_001409306.1, NM_001409307.1 and 3 more transcripts); c.2808C>A, p.Tyr936Ter (NM_001409301.1, NM_001409302.1, NM_001409303.1); c.2388C>A, p.Tyr796Ter (NM_001409304.1); c.2055C>A, p.Tyr685Ter (NM_001409305.1); short protein forms Y667*, Y936*, Y645*, Y685*, Y796*.
Identifiers: ClinVar variation 1338653 (VCV001338653.10), dbSNP rs2149846283, ClinGen allele CA362320457.